The following is an entry in ClinVar:

NM_020937.4(FANCM):c.818A>T (p.Asp273Val)

Gene: FANCM (FA complementation group M; plus strand). Cytogenetic location: 14q21.2.
Variant type: single nucleotide variant.
Coding change: c.818A>T on transcript NM_020937.4 (MANE Select); coding-DNA position 818, A replaced by T.
Protein change: p.Asp273Val; replaces aspartic acid 273 with valine.
Molecular consequence: missense variant.
Genome position (GRCh38, 1-based): chr14:45,148,895, A>T. VCF-style: chr14-45148895-A-T. GRCh37 (hg19) VCF-style: chr14-45618098-A-T.
Other names: c.740A>T, p.Asp247Val (NM_001308133.2); c.818A>T, p.Asp273Val (NM_001308134.2); short protein forms D273V, D247V.
Identifiers: ClinVar variation 2911523 (VCV002911523.3), dbSNP rs2503084318, ClinGen allele CA389589890.

ClinVar aggregate classification (germline): Uncertain significance (1 of 4 stars; one submission).

Conditions:
Fanconi anemia (FA). Also called: Fanconi's anemia. Identifiers: Orphanet 84, MedGen C0015625, MeSH D005199, MONDO:0019391.

Allele frequency attached by ClinVar (database versions not stated): gnomAD exomes below 0.00001.
gnomAD v4.1: 2 of 1,612,608 alleles (0.00012%); highest among the groups gnomAD compares: Non-Finnish European, 0.00017%; no homozygotes.

Submission:

Labcorp Genetics (formerly Invitae), Labcorp
Classification: Uncertain significance for Fanconi anemia. Last evaluated: 2024-12-28. Review status: criteria provided, single submitter. Criteria: Invitae Variant Classification Sherloc (09022015). Collection method: clinical testing. Allele origin: germline.
Comment: This sequence change replaces aspartic acid, which is acidic and polar, with valine, which is neutral and non-polar, at codon 273 of the FANCM protein (p.Asp273Val). This variant is not present in population databases (gnomAD no frequency). This variant has not been reported in the literature in individuals affected with FANCM-related conditions. ClinVar contains an entry for this variant (Variation ID: 2911523). An algorithm developed to predict the effect of missense changes on protein structure and function (PolyPhen-2) suggests that this variant is likely to be tolerated. In summary, the available evidence is currently insufficient to determine the role of this variant in disease. Therefore, it has been classified as a Variant of Uncertain Significance.